The following is an entry in ClinVar:

NM_000535.7(PMS2):c.2001G>A (p.Glu667=)

Gene: PMS2 (PMS1 homolog 2, mismatch repair system component; minus strand). Cytogenetic location: 7p22.1.
Variant type: single nucleotide variant.
Coding change: c.2001G>A on transcript NM_000535.7 (MANE Select); coding-DNA position 2001, G replaced by A.
Protein change: p.Glu667=; no amino-acid change (glutamic acid 667 retained).
Molecular consequence: synonymous variant. On other transcripts: non-coding transcript variant (1).
Genome position (GRCh38, 1-based): chr7:5,986,764, C>T on the plus strand (G>A on the coding strand, the complement: PMS2 is on the minus strand). VCF-style: chr7-5986764-C-T. GRCh37 (hg19) VCF-style: chr7-6026395-C-T.
Other names: c.1596G>A, p.Glu532= (NM_001322003.2, NM_001322004.2, NM_001322005.2 and 1 more transcripts); c.1845G>A, p.Glu615= (NM_001322006.2); c.1683G>A, p.Glu561= (NM_001322007.2, NM_001322008.2); c.1440G>A, p.Glu480= (NM_001322010.2); c.1068G>A, p.Glu356= (NM_001322011.2, NM_001322012.2); c.1428G>A, p.Glu476= (NM_001322013.2); c.2001G>A, p.Glu667= (NM_001322014.2); c.1692G>A, p.Glu564= (NM_001322015.2); and 1 more.
Identifiers: ClinVar variation 631381 (VCV000631381.9), dbSNP rs1562624926, ClinGen allele CA453745683.

ClinVar aggregate classification (germline): Benign/Likely benign. Review status: criteria provided, multiple submitters, no conflicts (2 of 4 stars). 4 submissions from 4 submitters: Benign (1); Likely benign (3). Last evaluated 2025-02-03.

Conditions:
Hereditary cancer-predisposing syndrome. Also called: Tumor predisposition; Neoplastic Syndromes, Hereditary; Hereditary neoplastic syndrome; Hereditary Cancer Syndrome. Identifiers: Orphanet 140162, MedGen C0027672, MeSH D009386, MONDO:0015356.
Hereditary nonpolyposis colorectal neoplasms. Identifiers: MedGen C0009405, MeSH D003123.
Lynch syndrome 4 (LYNCH4). Also called: Hereditary non-polyposis colorectal cancer, type 4; Colorectal cancer, hereditary nonpolyposis, type 4. Identifiers: Orphanet 144, MedGen C1838333, MONDO:0013699, OMIM 614337. Disease mechanism: loss of function.

Submissions (4):

Myriad Genetics, Inc.
Classification: Benign for Lynch syndrome 4. Last evaluated: 2025-02-03. Review status: criteria provided, single submitter. Criteria: Myriad Autosomal Dominant, Autosomal Recessive and X-Linked Classification Criteria (2023). Collection method: clinical testing. Allele origin: unknown.
Comment: This variant is considered benign. This variant is a silent/synonymous amino acid change and it is not expected to impact splicing.

Ambry Genetics
Classification: Likely benign for Hereditary cancer-predisposing syndrome. Last evaluated: 2024-07-05. Review status: criteria provided, single submitter. Criteria: Ambry Variant Classification Scheme 2023. Collection method: clinical testing. Allele origin: germline.

Labcorp Genetics (formerly Invitae), Labcorp
Classification: Likely benign for Hereditary nonpolyposis colorectal neoplasms. Last evaluated: 2022-02-21. Review status: criteria provided, single submitter. Criteria: Invitae Variant Classification Sherloc (09022015). Collection method: clinical testing. Allele origin: germline.

Color Diagnostics, LLC DBA Color Health
Classification: Likely benign for Hereditary cancer-predisposing syndrome. Last evaluated: 2018-02-16. Review status: criteria provided, single submitter. Criteria: ACMG Guidelines, 2015. Collection method: clinical testing. Allele origin: germline.